The following is an entry in ClinVar:

NM_001005361.3(DNM2):c.1858T>C (p.Phe620Leu)

Gene: DNM2 (dynamin 2; plus strand). Cytogenetic location: 19p13.2.
Variant type: single nucleotide variant.
Coding change: c.1858T>C on transcript NM_001005361.3 (MANE Select); coding-DNA position 1858, T replaced by C.
Protein change: p.Phe620Leu; replaces phenylalanine 620 with leucine.
Molecular consequence: missense variant.
Genome position (GRCh38, 1-based): chr19:10,823,864, T>C. VCF-style: chr19-10823864-T-C. GRCh37 (hg19) VCF-style: chr19-10934540-T-C.
Other names: c.1858T>C, p.Phe620Leu (NM_001005360.3, NM_001190716.2); c.1846T>C, p.Phe616Leu (NM_001005362.3, NM_004945.4); short protein forms F620L, F616L.
Identifiers: ClinVar variation 644940 (VCV000644940.10), dbSNP rs1274228418, ClinGen allele CA404041097.
Genomic context (GRCh38, chr19:10,823,864, plus strand): 5'-CTGCGGCAGATCGAGCTGGCCTGTGACTCCCAGGAAGACGTGGACAGCTGGAAGGCCTCG[T>C]TCCTCCGAGCTGGCGTCTACCCCGAGAAGGACCAGGTGAGGAGCCGTCCTGCGCAGCCAG-3'
Protein context (NP_001005361.1, residues 610-630): QEDVDSWKAS[Phe620Leu]LRAGVYPEKD

ClinVar aggregate classification (germline): Uncertain significance (1 of 4 stars; one submission).

Conditions:
Charcot-Marie-Tooth disease dominant intermediate B (CMTDIB). Also called: CHARCOT-MARIE-TOOTH NEUROPATHY, DOMINANT INTERMEDIATE B; Charcot-Marie-Tooth disease dominant intermediate I; Charcot-Marie-Tooth disease dominant intermediate 1; CMT DI1. Identifiers: Orphanet 100044, Orphanet 228179, MedGen C1847902, MONDO:0011674, OMIM 606482.

Allele frequency attached by ClinVar (database versions not stated): gnomAD exomes below 0.00001 and 0.00001; TOPMed 0.00001; gnomAD 0.00003.
gnomAD v4.1: 7 of 1,612,346 alleles (0.00043%); highest among the groups gnomAD compares: African/African-American, 0.0067%; no homozygotes.

Submission:

Labcorp Genetics (formerly Invitae), Labcorp
Classification: Uncertain significance for Charcot-Marie-Tooth disease dominant intermediate B. Last evaluated: 2024-09-19. Review status: criteria provided, single submitter. Criteria: Invitae Variant Classification Sherloc (09022015). Collection method: clinical testing. Allele origin: germline.
Comment: This sequence change replaces phenylalanine, which is neutral and non-polar, with leucine, which is neutral and non-polar, at codon 620 of the DNM2 protein (p.Phe620Leu). This variant is present in population databases (no rsID available, gnomAD 0.01%). This variant has not been reported in the literature in individuals affected with DNM2-related conditions. ClinVar contains an entry for this variant (Variation ID: 644940). Invitae Evidence Modeling of protein sequence and biophysical properties (such as structural, functional, and spatial information, amino acid conservation, physicochemical variation, residue mobility, and thermodynamic stability) has been performed for this missense variant. However, the output from this modeling did not meet the statistical confidence thresholds required to predict the impact of this variant on DNM2 protein function. In summary, the available evidence is currently insufficient to determine the role of this variant in disease. Therefore, it has been classified as a Variant of Uncertain Significance.